The following is an entry in ClinVar:

NM_006648.4(WNK2):c.4778C>T (p.Pro1593Leu)

Gene: WNK2 (WNK lysine deficient protein kinase 2; plus strand). Cytogenetic location: 9q22.31.
Variant type: single nucleotide variant.
Coding change: c.4778C>T on transcript NM_006648.4 (MANE Select); coding-DNA position 4778, C replaced by T.
Protein change: p.Pro1593Leu; replaces proline 1593 with leucine.
Molecular consequence: missense variant.
Genome position (GRCh38, 1-based): chr9:93,289,532, C>T. VCF-style: chr9-93289532-C-T. GRCh37 (hg19) VCF-style: chr9-96051814-C-T.
Other names: c.4889C>T, p.Pro1630Leu (NM_001282394.3); short protein forms P1593L, P1630L.
Identifiers: ClinVar variation 4605438 (VCV004605438.1).
Genomic context (GRCh38, chr9:93,289,532, plus strand): 5'-GGACCCCTGTGGAGGTGGGCGACAGAGACTTCACCCTGGAGCCCCTGAGAGGGGACCAGC[C>T]CCGCTCAGAGGTCTGCGGGGGGGACCTGGCCCTGCCCCCAGTGCCTAAGGAGGCGGTCTC-3'
Protein context (NP_006639.3, residues 1583-1603): FTLEPLRGDQ[Pro1593Leu]RSEVCGGDLA

ClinVar aggregate classification (germline): Uncertain significance (1 of 4 stars; one submission).

gnomAD v4.1: 2 of 1,593,184 alleles (0.00013%); highest among the groups gnomAD compares: Non-Finnish European, 0.00017%; no homozygotes.

Submission:

Ambry Genetics
Classification: Uncertain significance. Last evaluated: 2025-12-14. Review status: criteria provided, single submitter. Criteria: Ambry Variant Classification Scheme 2023. Collection method: clinical testing. Allele origin: germline.
Comment: The p.P1593L variant (also known as c.4778C>T), located in coding exon 19 of the WNK2 gene, results from a C to T substitution at nucleotide position 4778. The proline at codon 1593 is replaced by leucine, an amino acid with similar properties. This amino acid position is conserved. In addition, this alteration is predicted to be tolerated by in silico analysis. Based on the available evidence, the clinical significance of this variant remains unclear.